The following is an entry in ClinVar:

NM_205836.3(FBXO38):c.341A>G (p.Tyr114Cys)

Gene: FBXO38 (F-box protein 38; plus strand). Cytogenetic location: 5q32.
Variant type: single nucleotide variant.
Coding change: c.341A>G on transcript NM_205836.3 (MANE Select); coding-DNA position 341, A replaced by G.
Protein change: p.Tyr114Cys; replaces tyrosine 114 with cysteine.
Molecular consequence: missense variant.
Genome position (GRCh38, 1-based): chr5:148,402,060, A>G. VCF-style: chr5-148402060-A-G. GRCh37 (hg19) VCF-style: chr5-147781623-A-G.
Other names: c.341A>G, p.Tyr114Cys (NM_001271723.2, NM_030793.5); short protein forms Y114C.
Identifiers: ClinVar variation 939027 (VCV000939027.11), dbSNP rs1433144114, ClinGen allele CA361654793.

ClinVar aggregate classification (germline): Uncertain significance (1 of 4 stars; one submission).

Conditions:
Distal hereditary motor neuropathy type 2. Identifiers: Orphanet 139525, MedGen C3711384, MeSH C580044, MONDO:0015352.

Allele frequency attached by ClinVar (database versions not stated): gnomAD exomes below 0.00001.
gnomAD v4.1: 4 of 1,613,656 alleles (0.00025%); highest among the groups gnomAD compares: Non-Finnish European, 0.00034%; no homozygotes.

Submission:

Labcorp Genetics (formerly Invitae), Labcorp
Classification: Uncertain significance for Distal hereditary motor neuropathy type 2. Last evaluated: 2025-11-09. Review status: criteria provided, single submitter. Criteria: Invitae Variant Classification Sherloc (09022015). Collection method: clinical testing. Allele origin: germline.
Comment: This sequence change replaces tyrosine, which is neutral and polar, with cysteine, which is neutral and slightly polar, at codon 114 of the FBXO38 protein (p.Tyr114Cys). This variant is present in population databases (no rsID available, gnomAD 0.0009%). This variant has not been reported in the literature in individuals affected with FBXO38-related conditions. ClinVar contains an entry for this variant (Variation ID: 939027). Invitae Evidence Modeling of protein sequence and biophysical properties (such as structural, functional, and spatial information, amino acid conservation, physicochemical variation, residue mobility, and thermodynamic stability) indicates that this missense variant is not expected to disrupt FBXO38 protein function with a negative predictive value of 80%. In summary, the available evidence is currently insufficient to determine the role of this variant in disease. Therefore, it has been classified as a Variant of Uncertain Significance.